The following is an entry in ClinVar:

NM_022787.4(NMNAT1):c.383A>G (p.Lys128Arg)

Gene: NMNAT1 (nicotinamide nucleotide adenylyltransferase 1; plus strand). Cytogenetic location: 1p36.22.
Variant type: single nucleotide variant.
Coding change: c.383A>G on transcript NM_022787.4 (MANE Select); coding-DNA position 383, A replaced by G.
Protein change: p.Lys128Arg; replaces lysine 128 with arginine.
Molecular consequence: missense variant.
Genome position (GRCh38, 1-based): chr1:9,981,114, A>G. VCF-style: chr1-9981114-A-G. GRCh37 (hg19) VCF-style: chr1-10041172-A-G.
Other names: c.383A>G (NM_022787.3); c.383A>G, p.Lys128Arg (NM_001297778.1, NM_001297779.2); short protein forms K128R.
Identifiers: ClinVar variation 1927939 (VCV001927939.6), dbSNP rs2522291107, ClinGen allele CA338686051.

ClinVar aggregate classification (germline): Uncertain significance. Review status: criteria provided, multiple submitters, no conflicts (2 of 4 stars). 2 submissions from 2 submitters: Uncertain significance (2). Last evaluated 2025-12-10.

Conditions:
Inborn genetic diseases. Identifiers: MedGen C0950123, MeSH D030342.
Leber congenital amaurosis 9 (LCA9). Also called: LCA9 Leber Congenital Amaurosis; LCA 9; Amaurosis congenita of Leber, type 9. Identifiers: Orphanet 65, MedGen C1837873, MONDO:0012056, OMIM 608553.

Allele frequency attached by ClinVar (database versions not stated): gnomAD exomes below 0.00001.
gnomAD v4.1: 2 of 1,613,922 alleles (0.00012%); highest among the groups gnomAD compares: Non-Finnish European, 0.00017%; no homozygotes.

Submissions (2):

Ambry Genetics
Classification: Uncertain significance for Inborn genetic diseases. Last evaluated: 2025-12-10. Review status: criteria provided, single submitter. Criteria: Ambry Variant Classification Scheme 2023. Collection method: clinical testing. Allele origin: germline.

Labcorp Genetics (formerly Invitae), Labcorp
Classification: Uncertain significance for Leber congenital amaurosis 9. Last evaluated: 2022-03-11. Review status: criteria provided, single submitter. Criteria: Invitae Variant Classification Sherloc (09022015). Collection method: clinical testing. Allele origin: germline.
Comment: In summary, the available evidence is currently insufficient to determine the role of this variant in disease. Therefore, it has been classified as a Variant of Uncertain Significance. Algorithms developed to predict the effect of missense changes on protein structure and function are either unavailable or do not agree on the potential impact of this missense change (SIFT: "Tolerated"; PolyPhen-2: "Possibly Damaging"; Align-GVGD: "Class C0"). This variant has not been reported in the literature in individuals affected with NMNAT1-related conditions. This variant is not present in population databases (gnomAD no frequency). This sequence change replaces lysine, which is basic and polar, with arginine, which is basic and polar, at codon 128 of the NMNAT1 protein (p.Lys128Arg).